The following is an entry in ClinVar:

ClinVar aggregate classification (germline): Uncertain significance. Review status: criteria provided, multiple submitters, no conflicts (2 of 4 stars). 2 submissions from 2 submitters: Uncertain significance (2). Last evaluated 2025-12-30.

Conditions:
Inborn genetic diseases. Identifiers: MedGen C0950123, MeSH D030342.
3-methylglutaconic aciduria, type VIIB (MGCA7B). Also called: CLPB Deficiency; 3-methylglutaconic aciduria with cataracts, neurologic involvement and neutropenia; 3-methylglutaconic aciduria, type VII, with cataracts, neurologic involvement and neutropenia. Identifiers: Orphanet 445038, MedGen C5676893, MONDO:0014561, OMIM 616271.

Submissions (2):

Labcorp Genetics (formerly Invitae), Labcorp
Classification: Uncertain significance for 3-methylglutaconic aciduria, type VIIB. Last evaluated: 2025-12-30. Review status: criteria provided, single submitter. Criteria: Invitae Variant Classification Sherloc (09022015). Collection method: clinical testing. Allele origin: germline.
Comment: This sequence change results in a frameshift in the CLPB gene (p.Asn705Hisfs*22). While this is not anticipated to result in nonsense mediated decay, it is expected to disrupt the last 3 amino acid(s) of the CLPB protein and extend the protein by 18 additional amino acid residues. This variant is present in population databases (no rsID available, gnomAD 0.002%). This variant has not been reported in the literature in individuals affected with CLPB-related conditions. ClinVar contains an entry for this variant (Variation ID: 1410637). Experimental studies and prediction algorithms are not available or were not evaluated, and the functional significance of this variant is currently unknown. In summary, the available evidence is currently insufficient to determine the role of this variant in disease. Therefore, it has been classified as a Variant of Uncertain Significance.

Ambry Genetics
Classification: Uncertain significance for Inborn genetic diseases. Last evaluated: 2022-06-14. Review status: criteria provided, single submitter. Criteria: Ambry Variant Classification Scheme 2023. Collection method: clinical testing. Allele origin: germline.
Comment: Not expected to trigger nonsense-mediated mRNA decay Based on insufficient or conflicting evidence, the clinical significance of this alteration remains unclear.

NM_001258392.3(CLPB):c.2023_*4del (p.Asn675fs)

Gene: CLPB (ClpB family mitochondrial disaggregase; minus strand). Cytogenetic location: 11q13.4.
Variant type: Deletion.
Coding change: c.2023_*4del on transcript NM_001258392.3 (MANE Select); coding-DNA position 2023 through 4 bases downstream of the stop codon, 16 bases deleted (AACACCATCTAGCAGC).
Protein change: p.Asn675fs; shifts the reading frame from asparagine 675.
Molecular consequence: frameshift variant.
Genome position (GRCh38, 1-based): chr11:72,293,363-72,293,378, GCTGCTAGATGGTGTT deleted on the plus strand (AACACCATCTAGCAGC on the coding strand, the reverse complement: CLPB is on the minus strand); deleting any 16 consecutive bases within chr11:72,293,363-72,293,380 gives the same sequence; the c. name uses the placement nearest the transcript's 3' end. VCF-style (leftmost placement, unchanged base first): chr11-72293362-GGCTGCTAGATGGTGTT-G. GRCh37 (hg19) VCF-style: chr11-72004406-GGCTGCTAGATGGTGTT-G.
Other names: c.1936_*4del, p.Asn646fs (NM_001258393.3); c.1978_*4del, p.Asn660fs (NM_001258394.3); c.2113_*4del, p.Asn705fs (NM_030813.6); c.2113_*4del16 (NM_030813.3); short protein forms N675fs, N705fs, N660fs, N646fs.
Identifiers: ClinVar variation 1410637 (VCV001410637.7), dbSNP rs1362604874, ClinGen allele CA600243405.